The following is an entry in ClinVar:

ClinVar aggregate classification (germline): Uncertain significance (1 of 4 stars; one submission).

Conditions:
Frontotemporal dementia and/or amyotrophic lateral sclerosis 1 (FTDALS1). Also called: C9orf72 Frontotemporal Dementia and/or Amyotrophic Lateral Sclerosis; Frontotemporal dementia with motor neuron disease 1. Identifiers: Orphanet 275872, MedGen C5779877, MONDO:0007105, OMIM 105550.
Paget disease of bone 2, early-onset (PDB2). Also called: Paget disease of bone 2. Identifiers: MedGen C4085251, MONDO:0011183, OMIM 602080.

gnomAD v4.1: 1 of 1,614,090 alleles (0.000062%); highest among the groups gnomAD compares: Non-Finnish European, 0.000085%; no homozygotes.

Submission:

Labcorp Genetics (formerly Invitae), Labcorp
Classification: Uncertain significance for Paget disease of bone 2, early-onset; Frontotemporal dementia and/or amyotrophic lateral sclerosis 1. Last evaluated: 2023-04-29. Review status: criteria provided, single submitter. Criteria: Invitae Variant Classification Sherloc (09022015). Collection method: clinical testing. Allele origin: germline.
Comment: In summary, the available evidence is currently insufficient to determine the role of this variant in disease. Therefore, it has been classified as a Variant of Uncertain Significance. Advanced modeling of protein sequence and biophysical properties (such as structural, functional, and spatial information, amino acid conservation, physicochemical variation, residue mobility, and thermodynamic stability) has been performed at Invitae for this missense variant, however the output from this modeling did not meet the statistical confidence thresholds required to predict the impact of this variant on SQSTM1 protein function. This variant has not been reported in the literature in individuals affected with SQSTM1-related conditions. This variant is not present in population databases (gnomAD no frequency). This sequence change replaces proline, which is neutral and non-polar, with alanine, which is neutral and non-polar, at codon 384 of the SQSTM1 protein (p.Pro384Ala).

NM_003900.5(SQSTM1):c.1150C>G (p.Pro384Ala)

Gene: SQSTM1 (sequestosome 1; plus strand). Cytogenetic location: 5q35.3.
Variant type: single nucleotide variant.
Coding change: c.1150C>G on transcript NM_003900.5 (MANE Select); coding-DNA position 1150, C replaced by G.
Protein change: p.Pro384Ala; replaces proline 384 with alanine.
Molecular consequence: missense variant.
Genome position (GRCh38, 1-based): chr5:179,833,767, C>G. VCF-style: chr5-179833767-C-G. GRCh37 (hg19) VCF-style: chr5-179260767-C-G.
Other names: c.898C>G, p.Pro300Ala (NM_001142298.2, NM_001142299.2); short protein forms P384A, P300A.
Identifiers: ClinVar variation 2926556 (VCV002926556.3), dbSNP rs779915504, ClinGen allele CA362453086.